The following is an entry in ClinVar:

GRCh38/hg38 Xq13.1(chrX:69880987-70415042)x3

Genes: ARR3 (arrestin 3; plus strand), AWAT1 (acyl-CoA wax alcohol acyltransferase 1; plus strand), AWAT2 (acyl-CoA wax alcohol acyltransferase 2; minus strand), DGAT2L6 (diacylglycerol O-acyltransferase 2 like 6; plus strand), EDA (ectodysplasin A; plus strand) and 14 more. Cytogenetic location: Xq13.1.
Variant type: copy number gain.
Change: copy number 3 of chrX:69,880,987-70,415,042 (534.1 kb, GRCh38 coordinates, 1-based), cytogenetic band Xq13.1.
Identifiers: ClinVar variation 57433 (VCV000057433.1).

ClinVar aggregate classification (germline): Uncertain significance (1 of 4 stars; one submission).

Submission:

ISCA site 4
Classification: Uncertain significance. Last evaluated: 2011-08-12. Review status: criteria provided, single submitter. Criteria: Kaminsky et al. (Genet Med. 2011). Collection method: clinical testing. Allele origin: paternal. Affected: yes. Observed: 1 variant allele.
Comment: Copy number variation identified through the course of routine clinical cytogenomic testing in postnatal populations. Clinical assertions have been curated as described in Kaminsky et al. 2011.